The following is an entry in ClinVar:

ClinVar aggregate classification (germline): Likely benign. Review status: criteria provided, single submitter (1 of 4 stars). 2 submissions from 2 submitters: Likely benign (1). 1 of the submissions does not count toward it. Last evaluated 2026-07-01.

Conditions:
KDM5C-related disorder. Also called: KDM5C-related condition.

Submissions (2):

CeGaT Center for Human Genetics Tuebingen
Classification: Likely benign. Last evaluated: 2026-07-01. Review status: criteria provided, single submitter. Criteria: CeGaT Center For Human Genetics Tuebingen Variant Classification Criteria Version 2. Collection method: clinical testing. Allele origin: germline. Affected: yes. Observed: 3 variant alleles.
Comment: KDM5C: PM2:Supporting, BP4, BP7

PreventionGenetics, part of Exact Sciences
Classification: Likely benign for KDM5C-related condition. Last evaluated: 2019-09-17. Review status: no assertion criteria provided. Collection method: clinical testing. Allele origin: germline. Not counted in ClinVar's aggregate classification.
Comment: This variant is classified as likely benign based on ACMG/AMP sequence variant interpretation guidelines (Richards et al. 2015 PMID: 25741868, with internal and published modifications).

NM_004187.5(KDM5C):c.3831C>A (p.Ala1277=)

Gene: KDM5C (lysine demethylase 5C; minus strand). Cytogenetic location: Xp11.22.
Variant type: single nucleotide variant.
Coding change: c.3831C>A on transcript NM_004187.5 (MANE Select); coding-DNA position 3831, C replaced by A.
Protein change: p.Ala1277=; no amino-acid change (alanine 1277 retained).
Molecular consequence: synonymous variant. On other transcripts: non-coding transcript variant (3).
Genome position (GRCh38, 1-based): chrX:53,194,346, G>T on the plus strand (C>A on the coding strand, the complement: KDM5C is on the minus strand). VCF-style: chrX-53194346-G-T. GRCh37 (hg19) VCF-style: chrX-53223528-G-T.
Other names: c.3831C>A, p.Ala1277= (NM_001353981.2, NM_001353984.2, NM_001353978.3); c.3828C>A, p.Ala1276= (NM_001353982.2, NM_001353979.2, NM_001282622.3); c.3630C>A, p.Ala1210= (NM_001146702.2).
Identifiers: ClinVar variation 3039953 (VCV003039953.10), dbSNP rs1458260727, ClinGen allele CA516672848.
Genomic context (GRCh38, chrX:53,194,346, plus strand): 5'-GGCCAGAGCCTGCCTGGCGCGGCCTTGCCAGCTGATGGCCCTCTCTGTGAGGCACTGCAG[G>T]GCCTCGCCCTCGGGCAGCCGCACAGGCAGTCTCTGCAGGGCTACCAGCAGTGCCAGGATG-3'
Protein context (NP_004178.2, residues 1267-1287): RLPVRLPEGE[Ala1277=]LQCLTERAIS